The following is an entry in ClinVar:

NM_001261826.3(AP3D1):c.2667C>T (p.Pro889=)

Gene: AP3D1 (adaptor related protein complex 3 subunit delta 1; minus strand). Cytogenetic location: 19p13.3.
Variant type: single nucleotide variant.
Coding change: c.2667C>T on transcript NM_001261826.3 (MANE Select); coding-DNA position 2667, C replaced by T.
Protein change: p.Pro889=; no amino-acid change (proline 889 retained).
Molecular consequence: synonymous variant. On other transcripts: intron variant (1).
Genome position (GRCh38, 1-based): chr19:2,113,348, G>A on the plus strand (C>T on the coding strand, the complement: AP3D1 is on the minus strand). VCF-style: chr19-2113348-G-A. GRCh37 (hg19) VCF-style: chr19-2113347-G-A.
Other names: p.Pro889=; c.2667C>T, p.Pro889= (NM_001374799.1); c.2601+777C>T (NM_003938.8).
Identifiers: ClinVar variation 1083793 (VCV001083793.11), dbSNP rs554478547, ClinGen allele CA9058781.

ClinVar aggregate classification (germline): Likely benign. Review status: criteria provided, multiple submitters, no conflicts (2 of 4 stars). 3 submissions from 3 submitters: Likely benign (3). Last evaluated 2026-02-04.

Allele frequency attached by ClinVar (database versions not stated): gnomAD 0.01115 and 0.01169; gnomAD exomes 0.01467 and 0.00768; ExAC 0.01583; 1000 Genomes Project 0.00679.
gnomAD v4.1: 20,214 of 1,418,042 alleles (1.4%); highest among the groups gnomAD compares: Non-Finnish European, 1.7%; 210 homozygotes.

Submissions (3):

Labcorp Genetics (formerly Invitae), Labcorp
Classification: Likely benign. Last evaluated: 2026-02-04. Review status: criteria provided, single submitter. Criteria: Invitae Variant Classification Sherloc (09022015). Collection method: clinical testing. Allele origin: germline.

Mayo Clinic Laboratories, Mayo Clinic
Classification: Likely benign. Last evaluated: 2023-10-17. Review status: criteria provided, single submitter. Criteria: ACMG Guidelines, 2015. Collection method: clinical testing. Allele origin: germline. Observed: 50 variant alleles.
Comment: BS1, BP4, BP7

Breakthrough Genomics
Classification: Likely benign. Review status: criteria provided, single submitter. Criteria: ACMG Guidelines, 2015. Collection method: not provided. Allele origin: germline. Inheritance: Autosomal recessive inheritance. Affected: yes.